The following is an entry in ClinVar:

NM_199242.3(UNC13D):c.2710-2A>G

Genes: UNC13D (unc-13 homolog D; minus strand), LOC112533672 (Sharpr-MPRA regulatory region 1193; plus strand). Cytogenetic location: 17q25.1.
Variant type: single nucleotide variant.
Coding change: c.2710-2A>G on transcript NM_199242.3 (MANE Select); the canonical splice acceptor site of the intron before coding-DNA position 2710, A replaced by G.
Molecular consequence: splice acceptor variant.
Genome position (GRCh38, 1-based): chr17:75,830,484, T>C on the plus strand (A>G on the coding strand, the complement: UNC13D is on the minus strand). VCF-style: chr17-75830484-T-C. GRCh37 (hg19) VCF-style: chr17-73826565-T-C.
Identifiers: ClinVar variation 801411 (VCV000801411.6), dbSNP rs910650073, ClinGen allele CA294084540.

ClinVar aggregate classification (germline): Pathogenic/Likely pathogenic. Review status: criteria provided, multiple submitters, no conflicts (2 of 4 stars). 2 submissions from 2 submitters: Pathogenic (1); Likely pathogenic (1). Last evaluated 2022-04-29.

Conditions:
Familial hemophagocytic lymphohistiocytosis 3 (FHL3). Also called: UNC13D-Related Familial Hemophagocytic Lymphohistiocytosis (UNC13D-fHLH). Identifiers: Orphanet 540, MedGen C1837174, MONDO:0012146, OMIM 608898.

Allele frequency attached by ClinVar (database versions not stated): TOPMed 0.00001.

Submissions (2):

Labcorp Genetics (formerly Invitae), Labcorp
Classification: Likely pathogenic for Familial hemophagocytic lymphohistiocytosis 3. Last evaluated: 2022-04-29. Review status: criteria provided, single submitter. Criteria: Invitae Variant Classification Sherloc (09022015). Collection method: clinical testing. Allele origin: germline.
Comment: In summary, the currently available evidence indicates that the variant is pathogenic, but additional data are needed to prove that conclusively. Therefore, this variant has been classified as Likely Pathogenic. Algorithms developed to predict the effect of sequence changes on RNA splicing suggest that this variant may disrupt the consensus splice site. ClinVar contains an entry for this variant (Variation ID: 801411). This variant has not been reported in the literature in individuals affected with UNC13D-related conditions. This variant is not present in population databases (gnomAD no frequency). This sequence change affects an acceptor splice site in intron 28 of the UNC13D gene. It is expected to disrupt RNA splicing. Variants that disrupt the donor or acceptor splice site typically lead to a loss of protein function (PMID: 16199547), and loss-of-function variants in UNC13D are known to be pathogenic (PMID: 14622600).

Mendelics
Classification: Pathogenic. Last evaluated: 2019-05-28. Review status: criteria provided, single submitter. Criteria: Mendelics Assertion Criteria 2017. Collection method: clinical testing. Allele origin: unknown.

Literature cited by the submitters: PubMed 16199547 (cited by Labcorp Genetics (formerly Invitae), Labcorp); PubMed 14622600 (cited by Labcorp Genetics (formerly Invitae), Labcorp).